The following is an entry in ClinVar:

NM_024649.5(BBS1):c.1721G>A (p.Ser574Asn)

Genes: BBS1 (Bardet-Biedl syndrome 1; plus strand), ZDHHC24 (zDHHC palmitoyltransferase 24; minus strand). Cytogenetic location: 11q13.2.
Variant type: single nucleotide variant.
Coding change: c.1721G>A on transcript NM_024649.5 (MANE Select); coding-DNA position 1721, G replaced by A.
Protein change: p.Ser574Asn; replaces serine 574 with asparagine.
Molecular consequence: missense variant. On other transcripts: intron variant (1).
Genome position (GRCh38, 1-based): chr11:66,531,976, G>A. VCF-style: chr11-66531976-G-A. GRCh37 (hg19) VCF-style: chr11-66299447-G-A.
Other names: c.1721G>A (NM_024649.4); c.560-2488C>T (NM_001348571.2); short protein forms S574N.
Identifiers: ClinVar variation 2421121 (VCV002421121.44), dbSNP rs1856803848, ClinGen allele CA381426537.
Genomic context (GRCh38, chr11:66,531,976, plus strand): 5'-GTATGCCCCCTGCTGCCATGGCCACTCCTCCATAGGTGCTGGTGCTTCGAGAAGGCCAAA[G>A]TGCACCCCTGCTGAGTGCCCACGTCAACATGCCTGGGAGCGAGGGGCTGGCGGCCGCCTG-3'
Protein context (NP_078925.3, residues 564-584): IKVLVLREGQ[Ser574Asn]APLLSAHVNM

ClinVar aggregate classification (germline): Uncertain significance. Review status: criteria provided, multiple submitters, no conflicts (2 of 4 stars). 4 submissions from 4 submitters: Uncertain significance (3). 1 of the submissions does not count toward it. Last evaluated 2024-11-20.

Conditions:
Bardet-Biedl syndrome 1 (BBS1). Identifiers: MedGen C2936862, MONDO:0008854, OMIM 209900. Disease mechanism: loss of function.
Bardet-Biedl syndrome (BBS). Identifiers: Orphanet 110, MedGen C0752166, MONDO:0015229.
BBS1-related disorder. Also called: BBS1-related condition.

Allele frequency attached by ClinVar (database versions not stated): gnomAD 0.00001.
gnomAD v4.1: 2 of 1,604,112 alleles (0.00012%); highest among the groups gnomAD compares: African/African-American, 0.0013%; no homozygotes.

Submissions (4):

PreventionGenetics, part of Exact Sciences
Classification: Uncertain significance for BBS1-related condition. Last evaluated: 2024-11-20. Review status: criteria provided, single submitter. Criteria: ACMG Guidelines, 2015. Collection method: clinical testing. Allele origin: germline.
Comment: The BBS1 c.1721G>A variant is predicted to result in the amino acid substitution p.Ser574Asn. To our knowledge, this variant has not been reported in the literature or in a large population database (gnomAD), indicating this variant is rare. At this time, the clinical significance of this variant is uncertain due to the absence of conclusive functional and genetic evidence.

Labcorp Genetics (formerly Invitae), Labcorp
Classification: Uncertain significance for Bardet-Biedl syndrome. Last evaluated: 2024-11-04. Review status: criteria provided, single submitter. Criteria: Invitae Variant Classification Sherloc (09022015). Collection method: clinical testing. Allele origin: germline.
Comment: This sequence change replaces serine, which is neutral and polar, with asparagine, which is neutral and polar, at codon 574 of the BBS1 protein (p.Ser574Asn). This variant is not present in population databases (gnomAD no frequency). This variant has not been reported in the literature in individuals affected with BBS1-related conditions. ClinVar contains an entry for this variant (Variation ID: 2421121). Invitae Evidence Modeling of protein sequence and biophysical properties (such as structural, functional, and spatial information, amino acid conservation, physicochemical variation, residue mobility, and thermodynamic stability) has been performed for this missense variant. However, the output from this modeling did not meet the statistical confidence thresholds required to predict the impact of this variant on BBS1 protein function. In summary, the available evidence is currently insufficient to determine the role of this variant in disease. Therefore, it has been classified as a Variant of Uncertain Significance.

Fulgent Genetics
Classification: Uncertain significance for Bardet-Biedl syndrome 1. Last evaluated: 2024-04-10. Review status: criteria provided, single submitter. Criteria: ACMG Guidelines, 2015. Collection method: clinical testing. Allele origin: germline.

Natera, Inc.
Classification: Uncertain significance for Bardet-Biedl syndrome type 1. Last evaluated: 2025-03-05. Review status: no assertion criteria provided. Collection method: clinical testing. Allele origin: germline. Not counted in ClinVar's aggregate classification.